The following is an entry in ClinVar:

ClinVar aggregate classification (germline): Uncertain significance. Review status: criteria provided, multiple submitters, no conflicts (2 of 4 stars). 2 submissions from 2 submitters: Uncertain significance (2). Last evaluated 2026-02-02.

Allele frequency attached by ClinVar (database versions not stated): gnomAD exomes 0.00004; gnomAD 0.00005; ExAC 0.00008; TOPMed 0.00008.
gnomAD v4.1: 60 of 1,613,956 alleles (0.0037%); highest among the groups gnomAD compares: Admixed American, 0.093%; no homozygotes.

Submissions (2):

Labcorp Genetics (formerly Invitae), Labcorp
Classification: Uncertain significance. Last evaluated: 2026-02-02. Review status: criteria provided, single submitter. Criteria: Invitae Variant Classification Sherloc (09022015). Collection method: clinical testing. Allele origin: germline.
Comment: This sequence change replaces serine, which is neutral and polar, with threonine, which is neutral and polar, at codon 234 of the SLC36A2 protein (p.Ser234Thr). This variant is present in population databases (rs768209798, gnomAD 0.09%), and has an allele count higher than expected for a pathogenic variant. This variant has not been reported in the literature in individuals affected with SLC36A2-related conditions. ClinVar contains an entry for this variant (Variation ID: 2060446). Invitae Evidence Modeling of protein sequence and biophysical properties (such as structural, functional, and spatial information, amino acid conservation, physicochemical variation, residue mobility, and thermodynamic stability) indicates that this missense variant is not expected to disrupt SLC36A2 protein function with a negative predictive value of 80%. In summary, the available evidence is currently insufficient to determine the role of this variant in disease. Therefore, it has been classified as a Variant of Uncertain Significance.

Ambry Genetics
Classification: Uncertain significance. Last evaluated: 2024-05-12. Review status: criteria provided, single submitter. Criteria: Ambry Variant Classification Scheme 2023. Collection method: clinical testing. Allele origin: germline.

NM_181776.3(SLC36A2):c.701G>C (p.Ser234Thr)

Gene: SLC36A2 (solute carrier family 36 member 2; minus strand). Cytogenetic location: 5q33.1.
Variant type: single nucleotide variant.
Coding change: c.701G>C on transcript NM_181776.3 (MANE Select); coding-DNA position 701, G replaced by C.
Protein change: p.Ser234Thr; replaces serine 234 with threonine.
Molecular consequence: missense variant.
Genome position (GRCh38, 1-based): chr5:151,335,372, C>G on the plus strand (G>C on the coding strand, the complement: SLC36A2 is on the minus strand). VCF-style: chr5-151335372-C-G. GRCh37 (hg19) VCF-style: chr5-150714933-C-G.
Other names: c.701G>C (NM_181776.2); short protein forms S234T.
Identifiers: ClinVar variation 2060446 (VCV002060446.5), dbSNP rs768209798, ClinGen allele CA3518775.